The following is an entry in ClinVar:

NM_001457.4(FLNB):c.4058C>G (p.Thr1353Ser)

Gene: FLNB (filamin B; plus strand). Cytogenetic location: 3p14.3.
Variant type: single nucleotide variant.
Coding change: c.4058C>G on transcript NM_001457.4 (MANE Select); coding-DNA position 4058, C replaced by G.
Protein change: p.Thr1353Ser; replaces threonine 1353 with serine.
Molecular consequence: missense variant.
Genome position (GRCh38, 1-based): chr3:58,125,740, C>G. VCF-style: chr3-58125740-C-G. GRCh37 (hg19) VCF-style: chr3-58111467-C-G.
Other names: c.4058C>G, p.Thr1353Ser (NM_001164317.2, NM_001164318.2, NM_001164319.2); short protein forms T1353S.
Identifiers: ClinVar variation 346341 (VCV000346341.44), dbSNP rs142718547, ClinGen allele CA2468627.

ClinVar aggregate classification (germline): Conflicting classifications of pathogenicity. Review status: criteria provided, conflicting classifications (1 of 4 stars). 9 submissions from 9 submitters: Uncertain significance (5); Likely benign (4). Last evaluated 2026-02-04.

Conditions:
FLNB-related disorder. Also called: FLNB-related condition; FLNB-related disorders. Identifiers: MedGen CN381095.
Inborn genetic diseases. Identifiers: MedGen C0950123, MeSH D030342.
FLNB-Related Spectrum Disorders.

Allele frequency attached by ClinVar (database versions not stated): TOPMed 0.00049; ExAC 0.00056; gnomAD exomes 0.00059 and 0.00113; ESP Exome Variant Server 0.00085; 1000 Genomes Project 30x 0.00016; 1000 Genomes Project 0.00020; gnomAD 0.00043 and 0.00046.
gnomAD v4.1: 1,697 of 1,614,128 alleles (0.11%); highest among the groups gnomAD compares: Non-Finnish European, 0.13%; 6 homozygotes.

Submissions (12):

Labcorp Genetics (formerly Invitae), Labcorp
Classification: Likely benign. Last evaluated: 2026-02-04. Review status: criteria provided, single submitter. Criteria: Invitae Variant Classification Sherloc (09022015). Collection method: clinical testing. Allele origin: germline.

GeneDx
Classification: Uncertain significance. Last evaluated: 2025-02-10. Review status: criteria provided, single submitter. Criteria: GeneDx Variant Classification Process June 2021. Collection method: clinical testing. Allele origin: germline. Affected: yes.
Comment: Has not been previously published as pathogenic or benign to our knowledge; In silico analysis supports that this missense variant has a deleterious effect on protein structure/function

CeGaT Center for Human Genetics Tuebingen
Classification: Likely benign. Last evaluated: 2024-12-01. Review status: criteria provided, single submitter. Criteria: CeGaT Center For Human Genetics Tuebingen Variant Classification Criteria Version 2. Collection method: clinical testing. Allele origin: germline. Affected: yes. Observed: 1 variant allele.
Comment: FLNB: BS2

Blueprint Genetics
Classification: Likely benign. Last evaluated: 2024-10-18. Review status: criteria provided, single submitter. Criteria: ACMG Guidelines, 2015. Collection method: clinical testing. Allele origin: germline.

Ambry Genetics
Classification: Likely benign for Inborn genetic diseases. Last evaluated: 2023-02-15. Review status: criteria provided, single submitter. Criteria: Ambry Variant Classification Scheme 2023. Collection method: clinical testing. Allele origin: germline.

PreventionGenetics, part of Exact Sciences
Classification: Uncertain significance for FLNB-related condition. Last evaluated: 2023-01-27. Review status: criteria provided, single submitter. Criteria: ACMG Guidelines, 2015. Collection method: clinical testing. Allele origin: germline.
Comment: The FLNB c.4058C>G variant is predicted to result in the amino acid substitution p.Thr1353Ser. To our knowledge, this variant has not been reported in the literature. This variant is reported in 0.098% of alleles in individuals of South Asian descent in gnomAD, including one homozygous individual, which may be too common to be causative of disease. While this variant may be benign, at this time, the clinical significance of this variant is uncertain due to the absence of conclusive functional and genetic evidence.

ARUP Laboratories, Molecular Genetics and Genomics, ARUP Laboratories
Classification: Uncertain significance. Last evaluated: 2020-05-15. Review status: criteria provided, single submitter. Criteria: ARUP Molecular Germline Variant Investigation Process. Collection method: clinical testing. Allele origin: germline.
Comment: The FLNB c.4058C>G; p.Thr1353Ser variant (rs142718547), to our knowledge, is not reported in the medical literature but is reported in ClinVar (Variation ID: 346341). This variant is found in the general population with an overall allele frequency of 0.057% (162/282672 alleles, including a single homozygote) in the Genome Aggregation Database. The threonine at codon 1353 is highly conserved, and computational analyses (SIFT: damaging, PolyPhen-2: benign) predict conflicting effects of this variant on protein structure/function. Due to limited information, the clinical significance of the p.Thr1353Ser variant is uncertain at this time.

Eurofins Ntd Llc (ga)
Classification: Uncertain significance. Last evaluated: 2018-06-12. Review status: criteria provided, single submitter. Criteria: EGL ClinVar v180209 classification definitions. Collection method: clinical testing. Allele origin: germline. Observed: 1 variant allele, 1 heterozygote.

Illumina Laboratory Services, Illumina
Classification: Uncertain significance for FLNB-Related Spectrum Disorders. Last evaluated: 2018-01-13. Review status: criteria provided, single submitter. Criteria: ICSL Variant Classification Criteria 13 December 2019. Collection method: clinical testing. Allele origin: germline.

Dr. Peter K. Rogan Lab, Western University
No classification provided (evidence only). Condition: Lung cancer. Review status: no classification provided. Collection method: in vitro. Allele origin: not applicable. Functional consequence: retained intron. Not counted in ClinVar's aggregate classification.

Dr. Peter K. Rogan Lab, Western University
No classification provided (evidence only). Condition: Thyroid cancer, nonmedullary, 1. Review status: no classification provided. Collection method: in vitro. Allele origin: not applicable. Functional consequence: retained intron. Not counted in ClinVar's aggregate classification.

Dr. Peter K. Rogan Lab, Western University
No classification provided (evidence only). Condition: Ovarian serous cystadenocarcinoma. Review status: no classification provided. Collection method: in vitro. Allele origin: not applicable. Functional consequence: retained intron. Not counted in ClinVar's aggregate classification.